The following is an entry in ClinVar:

NM_000070.3(CAPN3):c.67G>C (p.Val23Leu)

Gene: CAPN3 (calpain 3; plus strand). Cytogenetic location: 15q15.1.
Variant type: single nucleotide variant.
Coding change: c.67G>C on transcript NM_000070.3 (MANE Select); coding-DNA position 67, G replaced by C.
Protein change: p.Val23Leu; replaces valine 23 with leucine.
Molecular consequence: missense variant.
Genome position (GRCh38, 1-based): chr15:42,359,872, G>C. VCF-style: chr15-42359872-G-C. GRCh37 (hg19) VCF-style: chr15-42652070-G-C.
Other names: c.67G>C (NM_000070.2); c.67G>C, p.Val23Leu (NM_024344.2, NM_173087.2); short protein forms V23L.
Identifiers: ClinVar variation 1923832 (VCV001923832.3), dbSNP rs751312765, ClinGen allele CA7510844.

ClinVar aggregate classification (germline): Uncertain significance. Review status: criteria provided, multiple submitters, no conflicts (2 of 4 stars). 2 submissions from 2 submitters: Uncertain significance (2). Last evaluated 2024-06-05.

Conditions:
Inborn genetic diseases. Identifiers: MedGen C0950123, MeSH D030342.
Autosomal recessive limb-girdle muscular dystrophy type 2A (LGMDR1). Also called: Muscular dystrophy, limb-girdle, type 2A, Amish; Limb-girdle muscular dystrophy, type 2A; Calpainopathy; LEYDEN-MOEBIUS MUSCULAR DYSTROPHY; MUSCULAR DYSTROPHY, PELVOFEMORAL. Identifiers: Orphanet 267, MedGen C1869123, MONDO:0009675, OMIM 253600. Disease mechanism: loss of function.

Allele frequency attached by ClinVar (database versions not stated): gnomAD 0.00001; gnomAD exomes 0.00002; ExAC 0.00007; TOPMed 0.00008.
gnomAD v4.1: 15 of 1,614,104 alleles (0.00093%); highest among the groups gnomAD compares: Admixed American, 0.023%; no homozygotes.

Submissions (2):

Ambry Genetics
Classification: Uncertain significance for Inborn genetic diseases. Last evaluated: 2024-06-05. Review status: criteria provided, single submitter. Criteria: Ambry Variant Classification Scheme 2023. Collection method: clinical testing. Allele origin: germline.

Labcorp Genetics (formerly Invitae), Labcorp
Classification: Uncertain significance for Autosomal recessive limb-girdle muscular dystrophy type 2A. Last evaluated: 2022-06-11. Review status: criteria provided, single submitter. Criteria: Invitae Variant Classification Sherloc (09022015). Collection method: clinical testing. Allele origin: germline.
Comment: This sequence change replaces valine, which is neutral and non-polar, with leucine, which is neutral and non-polar, at codon 23 of the CAPN3 protein (p.Val23Leu). This variant is present in population databases (rs751312765, gnomAD 0.04%). This variant has not been reported in the literature in individuals affected with CAPN3-related conditions. Algorithms developed to predict the effect of missense changes on protein structure and function (SIFT, PolyPhen-2, Align-GVGD) all suggest that this variant is likely to be tolerated. In summary, the available evidence is currently insufficient to determine the role of this variant in disease. Therefore, it has been classified as a Variant of Uncertain Significance.